The following is an entry in ClinVar:

NM_003001.5(SDHC):c.475A>C (p.Thr159Pro)

Gene: SDHC (succinate dehydrogenase complex subunit C; plus strand). Cytogenetic location: 1q23.3.
Variant type: single nucleotide variant.
Coding change: c.475A>C on transcript NM_003001.5 (MANE Select); coding-DNA position 475, A replaced by C.
Protein change: p.Thr159Pro; replaces threonine 159 with proline.
Molecular consequence: missense variant.
Genome position (GRCh38, 1-based): chr1:161,362,398, A>C. VCF-style: chr1-161362398-A-C. GRCh37 (hg19) VCF-style: chr1-161332188-A-C.
Other names: c.311A>C, p.Tyr104Ser (NM_001035511.3); c.373A>C, p.Thr125Pro (NM_001035512.3); c.316A>C, p.Thr106Pro (NM_001035513.3); c.209A>C, p.Tyr70Ser (NM_001278172.3); c.595A>C, p.Thr199Pro (NM_001407115.1); c.418A>C, p.Thr140Pro (NM_001407116.1); c.412A>C, p.Thr138Pro (NM_001407117.1); c.367A>C, p.Thr123Pro (NM_001407118.1); and 2 more; short protein forms T125P, T106P, Y70S, T159P, Y104S, T122P, T140P, T199P.
Identifiers: ClinVar variation 1381430 (VCV001381430.7), dbSNP rs2102385668, ClinGen allele CA343457872.

ClinVar aggregate classification (germline): Uncertain significance (1 of 4 stars; one submission).

Conditions:
Pheochromocytoma/paraganglioma syndrome 3. Also called: GLOMUS TUMORS, FAMILIAL, 3; Paragangliomas 3; SDHC-Related Hereditary Paraganglioma-Pheochromocytoma Syndrome (Paragangliomas 3); SDHC-Related Hereditary Paraganglioma-Pheochromocytoma Syndrome. Identifiers: Orphanet 29072, MedGen C1854336, MONDO:0011544, OMIM 605373.
Gastrointestinal stromal tumor. Also called: Gastrointestinal stroma tumor; Gastrointestinal stromal tumor, somatic. Identifiers: Orphanet 44890, MedGen C0238198, MeSH D046152, MONDO:0011719, OMIM 606764, HP:0100723.

Submission:

Labcorp Genetics (formerly Invitae), Labcorp
Classification: Uncertain significance for Pheochromocytoma/paraganglioma syndrome 3; Gastrointestinal stromal tumor. Last evaluated: 2021-09-15. Review status: criteria provided, single submitter. Criteria: Invitae Variant Classification Sherloc (09022015). Collection method: clinical testing. Allele origin: germline.
Comment: This sequence change replaces threonine with proline at codon 159 of the SDHC protein (p.Thr159Pro). The threonine residue is weakly conserved and there is a small physicochemical difference between threonine and proline. In summary, the available evidence is currently insufficient to determine the role of this variant in disease. Therefore, it has been classified as a Variant of Uncertain Significance. Advanced modeling of protein sequence and biophysical properties (such as structural, functional, and spatial information, amino acid conservation, physicochemical variation, residue mobility, and thermodynamic stability) performed at Invitae indicates that this missense variant is expected to disrupt SDHC protein function. This variant has not been reported in the literature in individuals affected with SDHC-related conditions. This variant is not present in population databases (ExAC no frequency).